The following is an entry in ClinVar:

NM_021922.3(FANCE):c.1311G>A (p.Met437Ile)

Gene: FANCE (FA complementation group E; plus strand). Cytogenetic location: 6p21.31.
Variant type: single nucleotide variant.
Coding change: c.1311G>A on transcript NM_021922.3 (MANE Select); coding-DNA position 1311, G replaced by A.
Protein change: p.Met437Ile; replaces methionine 437 with isoleucine.
Molecular consequence: missense variant.
Genome position (GRCh38, 1-based): chr6:35,459,755, G>A. VCF-style: chr6-35459755-G-A. GRCh37 (hg19) VCF-style: chr6-35427532-G-A.
Other names: c.1311G>A, p.Met437Ile (NM_001410876.1); short protein forms M437I.
Identifiers: ClinVar variation 4803584 (VCV004803584.1).

ClinVar aggregate classification (germline): Uncertain significance (1 of 4 stars; one submission).

Conditions:
Fanconi anemia complementation group E (FANCE). Also called: FANCE-Related Fanconi Anemia. Identifiers: Orphanet 84, MedGen C3160739, MONDO:0010953, OMIM 600901.

Submission:

Labcorp Genetics (formerly Invitae), Labcorp
Classification: Uncertain significance for Fanconi anemia complementation group E. Last evaluated: 2025-04-11. Review status: criteria provided, single submitter. Criteria: Invitae Variant Classification Sherloc (09022015). Collection method: clinical testing. Allele origin: germline.
Comment: This sequence change replaces methionine, which is neutral and non-polar, with isoleucine, which is neutral and non-polar, at codon 437 of the FANCE protein (p.Met437Ile). This variant is not present in population databases (gnomAD no frequency). This variant has not been reported in the literature in individuals affected with FANCE-related conditions. Invitae Evidence Modeling of protein sequence and biophysical properties (such as structural, functional, and spatial information, amino acid conservation, physicochemical variation, residue mobility, and thermodynamic stability) indicates that this missense variant is not expected to disrupt FANCE protein function with a negative predictive value of 80%. In summary, the available evidence is currently insufficient to determine the role of this variant in disease. Therefore, it has been classified as a Variant of Uncertain Significance.